The following is an entry in ClinVar:

ClinVar aggregate classification (germline): Uncertain significance. Review status: criteria provided, multiple submitters, no conflicts (2 of 4 stars). 4 submissions from 4 submitters: Uncertain significance (4). Last evaluated 2026-04-07.

Conditions:
Cardiovascular phenotype. Identifiers: MedGen CN230736.
Brugada syndrome. Also called: Sudden unexplained nocturnal death syndrome; Sudden Unexplained Death Syndrome; Sudden Unexplained Nocturnal Death Syndrome (SUNDS); Sudden unexpected nocturnal death syndrome. Identifiers: Orphanet 130, MedGen C1142166, MONDO:0015263.
SCN10A-related disorder. Also called: SCN10A-related condition.

Allele frequency attached by ClinVar (database versions not stated): gnomAD exomes below 0.00001 and 0.00002; ExAC 0.00001; gnomAD 0.00001.
gnomAD v4.1: 28 of 1,613,960 alleles (0.0017%); highest among the groups gnomAD compares: East Asian, 0.0045%; no homozygotes.

Submissions (4):

PreventionGenetics, part of Exact Sciences
Classification: Uncertain significance for SCN10A-related condition. Last evaluated: 2026-04-07. Review status: criteria provided, single submitter. Criteria: ACMG Guidelines, 2015. Collection method: clinical testing. Allele origin: germline.
Comment: The SCN10A c.3758G>A variant is predicted to result in the amino acid substitution p.Arg1253His. To our knowledge, this variant has not been reported in the literature. This variant is reported in 0.00088% of alleles in individuals of European (Non-Finnish) descent in gnomAD. At this time, the clinical significance of this variant is uncertain due to the absence of conclusive functional and genetic evidence.

Ambry Genetics
Classification: Uncertain significance for Cardiovascular phenotype. Last evaluated: 2025-10-11. Review status: criteria provided, single submitter. Criteria: Ambry Variant Classification Scheme 2023. Collection method: clinical testing. Allele origin: germline.
Comment: The p.R1253H variant (also known as c.3758G>A), located in coding exon 21 of the SCN10A gene, results from a G to A substitution at nucleotide position 3758. The arginine at codon 1253 is replaced by histidine, an amino acid with highly similar properties. This amino acid position is highly conserved in available vertebrate species. The evidence for this gene-disease relationship is limited; therefore, the clinical significance of this alteration is unclear.

Blueprint Genetics
Classification: Uncertain significance. Last evaluated: 2024-04-04. Review status: criteria provided, single submitter. Criteria: ACMG Guidelines, 2015. Collection method: clinical testing. Allele origin: germline.

Labcorp Genetics (formerly Invitae), Labcorp
Classification: Uncertain significance for Brugada syndrome. Last evaluated: 2020-11-03. Review status: criteria provided, single submitter. Criteria: Invitae Variant Classification Sherloc (09022015). Collection method: clinical testing. Allele origin: germline.
Comment: This variant has not been reported in the literature in individuals with SCN10A-related conditions. This variant is present in population databases (rs770705124, ExAC 0.002%). This sequence change replaces arginine with histidine at codon 1253 of the SCN10A protein (p.Arg1253His). The arginine residue is highly conserved and there is a small physicochemical difference between arginine and histidine. Advanced modeling of protein sequence and biophysical properties (such as structural, functional, and spatial information, amino acid conservation, physicochemical variation, residue mobility, and thermodynamic stability) performed at Invitae indicates that this missense variant is expected to disrupt SCN10A protein function. In summary, the available evidence is currently insufficient to determine the role of this variant in disease. Therefore, it has been classified as a Variant of Uncertain Significance.

NM_006514.4(SCN10A):c.3758G>A (p.Arg1253His)

Gene: SCN10A (sodium voltage-gated channel alpha subunit 10; minus strand). Cytogenetic location: 3p22.2.
Variant type: single nucleotide variant.
Coding change: c.3758G>A on transcript NM_006514.4 (MANE Select); coding-DNA position 3758, G replaced by A.
Protein change: p.Arg1253His; replaces arginine 1253 with histidine.
Molecular consequence: missense variant.
Genome position (GRCh38, 1-based): chr3:38,714,004, C>T on the plus strand (G>A on the coding strand, the complement: SCN10A is on the minus strand). VCF-style: chr3-38714004-C-T. GRCh37 (hg19) VCF-style: chr3-38755495-C-T.
Other names: c.3758G>A (NM_006514.2, NM_006514.3); c.3755G>A, p.Arg1252His (NM_001293306.2); c.3464G>A, p.Arg1155His (NM_001293307.2); short protein forms R1155H, R1252H, R1253H.
Identifiers: ClinVar variation 1411164 (VCV001411164.12), dbSNP rs770705124, ClinGen allele CA2320130.